The following is an entry in ClinVar:

NM_001145715.3(KPNA7):c.275A>G (p.Gln92Arg)

Gene: KPNA7 (karyopherin subunit alpha 7; minus strand). Cytogenetic location: 7q22.1.
Variant type: single nucleotide variant.
Coding change: c.275A>G on transcript NM_001145715.3 (MANE Select); coding-DNA position 275, A replaced by G.
Protein change: p.Gln92Arg; replaces glutamine 92 with arginine.
Molecular consequence: missense variant.
Genome position (GRCh38, 1-based): chr7:99,196,093, T>C on the plus strand (A>G on the coding strand, the complement: KPNA7 is on the minus strand). VCF-style: chr7-99196093-T-C. GRCh37 (hg19) VCF-style: chr7-98793716-T-C.
Other names: short protein forms Q92R.
Identifiers: ClinVar variation 1388048 (VCV001388048.5), dbSNP rs2150752588, ClinGen allele CA368420922.

ClinVar aggregate classification (germline): Uncertain significance (1 of 4 stars; one submission).

Submission:

Labcorp Genetics (formerly Invitae), Labcorp
Classification: Uncertain significance. Last evaluated: 2021-08-27. Review status: criteria provided, single submitter. Criteria: Invitae Variant Classification Sherloc (09022015). Collection method: clinical testing. Allele origin: germline.
Comment: This sequence change replaces glutamine with arginine at codon 92 of the KPNA7 protein (p.Gln92Arg). The glutamine residue is moderately conserved and there is a small physicochemical difference between glutamine and arginine. This variant is not present in population databases (ExAC no frequency). This variant has not been reported in the literature in individuals affected with KPNA7-related conditions. Algorithms developed to predict the effect of missense changes on protein structure and function output the following: SIFT: "Tolerated"; PolyPhen-2: "Benign"; Align-GVGD: "Class C0". The arginine amino acid residue is found in multiple mammalian species, which suggests that this missense change does not adversely affect protein function. In summary, the available evidence is currently insufficient to determine the role of this variant in disease. Therefore, it has been classified as a Variant of Uncertain Significance.